The following is an entry in ClinVar:

ClinVar aggregate classification (germline): Likely benign. Review status: criteria provided, multiple submitters, no conflicts (2 of 4 stars). 3 submissions from 3 submitters: Likely benign (3). Last evaluated 2025-10-01.

Allele frequency attached by ClinVar (database versions not stated): ExAC 0.00006; ESP Exome Variant Server 0.00015.
gnomAD v4.1: 42 of 1,595,496 alleles (0.0026%); highest among the groups gnomAD compares: Admixed American, 0.0068%; 1 homozygote.

Submissions (3):

CeGaT Center for Human Genetics Tuebingen
Classification: Likely benign. Last evaluated: 2025-10-01. Review status: criteria provided, single submitter. Criteria: CeGaT Center For Human Genetics Tuebingen Variant Classification Criteria Version 2. Collection method: clinical testing. Allele origin: germline. Affected: yes. Observed: 1 variant allele.
Comment: LAMA5: BP4, BP7

Labcorp Genetics (formerly Invitae), Labcorp
Classification: Likely benign. Last evaluated: 2025-05-16. Review status: criteria provided, single submitter. Criteria: Invitae Variant Classification Sherloc (09022015). Collection method: clinical testing. Allele origin: germline.

Blueprint Genetics
Classification: Likely benign. Last evaluated: 2024-10-24. Review status: criteria provided, single submitter. Criteria: ACMG Guidelines, 2015. Collection method: clinical testing. Allele origin: germline.

NM_005560.6(LAMA5):c.5502C>T (p.Pro1834=)

Gene: LAMA5 (laminin subunit alpha 5; minus strand). Cytogenetic location: 20q13.33.
Variant type: single nucleotide variant.
Coding change: c.5502C>T on transcript NM_005560.6 (MANE Select); coding-DNA position 5502, C replaced by T.
Protein change: p.Pro1834=; no amino-acid change (proline 1834 retained).
Molecular consequence: synonymous variant.
Genome position (GRCh38, 1-based): chr20:62,325,343, G>A on the plus strand (C>T on the coding strand, the complement: LAMA5 is on the minus strand). VCF-style: chr20-62325343-G-A. GRCh37 (hg19) VCF-style: chr20-60900399-G-A.
Identifiers: ClinVar variation 2191412 (VCV002191412.11), dbSNP rs371829628, ClinGen allele CA9942186.